The following is an entry in ClinVar:

ClinVar aggregate classification (germline): Uncertain significance. Review status: criteria provided, multiple submitters, no conflicts (2 of 4 stars). 2 submissions from 2 submitters: Uncertain significance (2). Last evaluated 2026-02-17.

Conditions:
Inborn genetic diseases. Identifiers: MedGen C0950123, MeSH D030342.

gnomAD v4.1: 2 of 1,611,794 alleles (0.00012%); highest among the groups gnomAD compares: Admixed American, 0.0034%; no homozygotes.

Submissions (2):

Ambry Genetics
Classification: Uncertain significance for Inborn genetic diseases. Last evaluated: 2026-02-17. Review status: criteria provided, single submitter. Criteria: Ambry Variant Classification Scheme 2023. Collection method: clinical testing. Allele origin: germline.
Comment: The c.1793G>A (p.G598D) alteration is located in exon 25 (coding exon 24) of the COL4A2 gene. This alteration results from a G to A substitution at nucleotide position 1793, causing the glycine (G) at amino acid position 598 to be replaced by an aspartic acid (D). Based on data from gnomAD, the A allele has an overall frequency of <0.001% (1/244816) total alleles studied. The highest observed frequency was 0.003% (1/34074) of Latino alleles. Based on insufficient or conflicting evidence, the clinical significance of this alteration remains unclear.

Labcorp Genetics (formerly Invitae), Labcorp
Classification: Uncertain significance. Last evaluated: 2025-05-25. Review status: criteria provided, single submitter. Criteria: Invitae Variant Classification Sherloc (09022015). Collection method: clinical testing. Allele origin: germline.
Comment: This sequence change replaces glycine, which is neutral and non-polar, with aspartic acid, which is acidic and polar, at codon 598 of the COL4A2 protein (p.Gly598Asp). The frequency data for this variant in the population databases is considered unreliable, as metrics indicate poor data quality at this position in the gnomAD database. This variant has not been reported in the literature in individuals affected with COL4A2-related conditions. ClinVar contains an entry for this variant (Variation ID: 3722660). Invitae Evidence Modeling of protein sequence and biophysical properties (such as structural, functional, and spatial information, amino acid conservation, physicochemical variation, residue mobility, and thermodynamic stability) has been performed for this missense variant. However, the output from this modeling did not meet the statistical confidence thresholds required to predict the impact of this variant on COL4A2 protein function. In summary, the available evidence is currently insufficient to determine the role of this variant in disease. Therefore, it has been classified as a Variant of Uncertain Significance.

NM_001846.4(COL4A2):c.1793G>A (p.Gly598Asp)

Gene: COL4A2 (collagen type IV alpha 2 chain; plus strand). Cytogenetic location: 13q34.
Variant type: single nucleotide variant.
Coding change: c.1793G>A on transcript NM_001846.4 (MANE Select); coding-DNA position 1793, G replaced by A.
Protein change: p.Gly598Asp; replaces glycine 598 with aspartic acid.
Molecular consequence: missense variant.
Genome position (GRCh38, 1-based): chr13:110,465,421, G>A. VCF-style: chr13-110465421-G-A. GRCh37 (hg19) VCF-style: chr13-111117768-G-A.
Other names: c.1793G>A (NM_001846.2); short protein forms G598D.
Identifiers: ClinVar variation 3722660 (VCV003722660.3).